The following is an entry in ClinVar:

NM_000321.3(RB1):c.1973C>G (p.Ala658Gly)

Gene: RB1 (RB transcriptional corepressor 1; plus strand). Cytogenetic location: 13q14.2.
Variant type: single nucleotide variant.
Coding change: c.1973C>G on transcript NM_000321.3 (MANE Select); coding-DNA position 1973, C replaced by G.
Protein change: p.Ala658Gly; replaces alanine 658 with glycine.
Molecular consequence: missense variant.
Genome position (GRCh38, 1-based): chr13:48,459,700, C>G. VCF-style: chr13-48459700-C-G. GRCh37 (hg19) VCF-style: chr13-49033836-C-G.
Other names: c.1973C>G, p.Ala658Gly (NM_001407165.1); short protein forms A658G.
Identifiers: ClinVar variation 3430854 (VCV003430854.2).

ClinVar aggregate classification (germline): Uncertain significance (1 of 4 stars; one submission).

Conditions:
Hereditary cancer-predisposing syndrome. Also called: Tumor predisposition; Hereditary Cancer Syndrome; Hereditary neoplastic syndrome; Neoplastic Syndromes, Hereditary. Identifiers: Orphanet 140162, MedGen C0027672, MeSH D009386, MONDO:0015356.

Submission:

Ambry Genetics
Classification: Uncertain significance for Hereditary cancer-predisposing syndrome. Last evaluated: 2026-07-30. Review status: criteria provided, single submitter. Criteria: Ambry Variant Classification Scheme 2023. Collection method: clinical testing. Allele origin: germline.
Comment: The p.A658G variant (also known as c.1973C>G), located in coding exon 20 of the RB1 gene, results from a C to G substitution at nucleotide position 1973. The alanine at codon 658 is replaced by glycine, an amino acid with similar properties. This amino acid position is highly conserved in available vertebrate species. In addition, this alteration is predicted to be deleterious by in silico analysis. Based on the available evidence, the clinical significance of this variant remains unclear.